The following is an entry in ClinVar:

NM_000492.4(CFTR):c.4159A>G (p.Thr1387Ala)

Gene: CFTR (CF transmembrane conductance regulator; plus strand). Cytogenetic location: 7q31.2.
Variant type: single nucleotide variant.
Coding change: c.4159A>G on transcript NM_000492.4 (MANE Select); coding-DNA position 4159, A replaced by G.
Protein change: p.Thr1387Ala; replaces threonine 1387 with alanine.
Molecular consequence: missense variant.
Genome position (GRCh38, 1-based): chr7:117,665,481, A>G. VCF-style: chr7-117665481-A-G. GRCh37 (hg19) VCF-style: chr7-117305535-A-G.
Other names: p.Thr1387Ala; short protein forms T1387A.
Identifiers: ClinVar variation 595485 (VCV000595485.17), dbSNP rs1455404428, ClinGen allele CA368983422.

ClinVar aggregate classification (germline): Uncertain significance. Review status: criteria provided, multiple submitters, no conflicts (2 of 4 stars). 7 submissions from 7 submitters: Uncertain significance (6). 1 of the submissions does not count toward it. Last evaluated 2025-12-05.

Conditions:
CFTR-related disorder (CFTR-RD). Also called: CFTR-related disorders; CFTR-related condition. Identifiers: MedGen C5924204, MONDO:7770004.
Cystic fibrosis (CF). Also called: MUCOVISCIDOSIS. Identifiers: Orphanet 586, MedGen C0010674, MONDO:0009061, OMIM 219700. Disease mechanism: loss of function.

Allele frequency attached by ClinVar (database versions not stated): gnomAD exomes below 0.00001; gnomAD 0.00001; TOPMed 0.00001.
gnomAD v4.1: 2 of 1,609,780 alleles (0.00012%); highest among the groups gnomAD compares: Admixed American, 0.0033%; no homozygotes.

Submissions (7):

PreventionGenetics, part of Exact Sciences
Classification: Uncertain significance for CFTR-related condition. Last evaluated: 2025-12-05. Review status: criteria provided, single submitter. Criteria: ACMG Guidelines, 2015. Collection method: clinical testing. Allele origin: germline.
Comment: The CFTR c.4159A>G variant is predicted to result in the amino acid substitution p.Thr1387Ala. To our knowledge, this variant has not been reported in the literature or in a large population database (gnomAD), indicating this variant is rare. At this time, the clinical significance of this variant is uncertain due to the absence of conclusive functional and genetic evidence.

Mayo Clinic Laboratories, Mayo Clinic
Classification: Uncertain significance. Last evaluated: 2025-10-10. Review status: criteria provided, single submitter. Criteria: ACMG Guidelines, 2015. Collection method: clinical testing. Allele origin: germline. Observed: 1 variant allele.
Comment: PM2_supporting

Ambry Genetics
Classification: Uncertain significance for Cystic fibrosis. Last evaluated: 2025-10-08. Review status: criteria provided, single submitter. Criteria: Ambry Variant Classification Scheme 2023. Collection method: clinical testing. Allele origin: germline.

Labcorp Genetics (formerly Invitae), Labcorp
Classification: Uncertain significance for Cystic fibrosis. Last evaluated: 2025-09-03. Review status: criteria provided, single submitter. Criteria: Invitae Variant Classification Sherloc (09022015). Collection method: clinical testing. Allele origin: germline.
Comment: This sequence change replaces threonine, which is neutral and polar, with alanine, which is neutral and non-polar, at codon 1387 of the CFTR protein (p.Thr1387Ala). This variant is not present in population databases (gnomAD no frequency). This variant has not been reported in the literature in individuals affected with CFTR-related conditions. ClinVar contains an entry for this variant (Variation ID: 595485). Invitae Evidence Modeling of protein sequence and biophysical properties (such as structural, functional, and spatial information, amino acid conservation, physicochemical variation, residue mobility, and thermodynamic stability) indicates that this missense variant is not expected to disrupt CFTR protein function with a negative predictive value of 80%. In summary, the available evidence is currently insufficient to determine the role of this variant in disease. Therefore, it has been classified as a Variant of Uncertain Significance.

Genome-Nilou Lab
Classification: Uncertain significance for Cystic fibrosis. Last evaluated: 2021-05-18. Review status: criteria provided, single submitter. Criteria: ACMG Guidelines, 2015. Collection method: clinical testing. Allele origin: germline. Affected: no.

Eurofins Ntd Llc (ga)
Classification: Uncertain significance. Last evaluated: 2017-12-21. Review status: criteria provided, single submitter. Criteria: EGL Classification Definitions 2015. Collection method: clinical testing. Allele origin: germline. Observed: 1 variant allele, 1 heterozygote.

Natera, Inc.
Classification: Uncertain significance for CFTR-related disorders. Last evaluated: 2018-07-20. Review status: no assertion criteria provided. Collection method: clinical testing. Allele origin: germline. Not counted in ClinVar's aggregate classification.